The following is an entry in ClinVar:

NM_001042492.3(NF1):c.7369_7370del (p.Lys2456_His2457insTer)

Gene: NF1 (neurofibromin 1; plus strand). Cytogenetic location: 17q11.2.
Variant type: Deletion.
Coding change: c.7369_7370del on transcript NM_001042492.3 (MANE Select); coding-DNA positions 7369 to 7370, 2 bases deleted (CA; older notation c.7369_7370delCA).
Protein change: p.Lys2456_His2457insTer.
Molecular consequence: nonsense. On other transcripts: frameshift variant (1).
Genome position (GRCh38, 1-based): chr17:31,350,230-31,350,231, CA deleted; deleting any 2 consecutive bases within chr17:31,350,229-31,350,231 gives the same sequence; the c. name uses the placement nearest the transcript's 3' end. VCF-style (leftmost placement, unchanged base first): chr17-31350228-AAC-A. GRCh37 (hg19) VCF-style: chr17-29677246-AAC-A.
Other names: c.7306_7307delCA, p.His2436Terfs (NM_000267.4).
Identifiers: ClinVar variation 1072498 (VCV001072498.5), dbSNP rs2151574391, ClinGen allele CA2499224221.

ClinVar aggregate classification (germline): Pathogenic (1 of 4 stars; one submission).

Conditions:
Neurofibromatosis, type 1 (NF1). Also called: VON RECKLINGHAUSEN DISEASE; Peripheral type neurofibromatosis; NEUROFIBROMATOSIS, TYPE I, SOMATIC; Neurofibromatosis, type I. Identifiers: Orphanet 636, MedGen C0027831, MONDO:0018975, OMIM 162200. Disease mechanism: loss of function.

Submission:

Labcorp Genetics (formerly Invitae), Labcorp
Classification: Pathogenic for Neurofibromatosis, type 1. Last evaluated: 2020-08-14. Review status: criteria provided, single submitter. Criteria: Invitae Variant Classification Sherloc (09022015). Collection method: clinical testing. Allele origin: germline.
Comment: This variant has not been reported in the literature in individuals with NF1-related conditions. This sequence change creates a premature translational stop signal (p.His2436*) in the NF1 gene. It is expected to result in an absent or disrupted protein product. This variant is not present in population databases (ExAC no frequency). Loss-of-function variants in NF1 are known to be pathogenic (PMID: 10712197, 23913538). For these reasons, this variant has been classified as Pathogenic.

Literature cited by the submitters: PubMed 10712197; PubMed 23913538.